The following is an entry in ClinVar:

NM_006017.3(PROM1):c.630+6A>G

Gene: PROM1 (prominin 1; minus strand). Cytogenetic location: 4p15.32.
Variant type: single nucleotide variant.
Coding change: c.630+6A>G on transcript NM_006017.3 (MANE Select); 6 bases into the intron after coding-DNA position 630, A replaced by G.
Molecular consequence: intron variant.
Genome position (GRCh38, 1-based): chr4:16,025,186, T>C on the plus strand (A>G on the coding strand, the complement: PROM1 is on the minus strand). VCF-style: chr4-16025186-T-C. GRCh37 (hg19) VCF-style: chr4-16026809-T-C.
Other names: c.630+6A>G (NM_001145849.2, NM_001145850.2); c.603+6A>G (NM_001371407.1, NM_001145851.2, NM_001145848.2 and 4 more transcripts).
Identifiers: ClinVar variation 3648466 (VCV003648466.2).
Genomic context (GRCh38, chr4:16,025,186, plus strand): 5'-ATACACAGGAACTCCAAAAAACCAAAAATATAAAGCATCGCGGTACATAGAGATGATGGT[T>C]TTTACCTCTGGAGTTTCATTCAAGAGAGTTCGCAAGTCCTTGAAATTGCTATCTGCCAGT-3'

ClinVar aggregate classification (germline): Uncertain significance (1 of 4 stars; one submission).

Submission:

Labcorp Genetics (formerly Invitae), Labcorp
Classification: Uncertain significance. Last evaluated: 2024-04-02. Review status: criteria provided, single submitter. Criteria: Invitae Variant Classification Sherloc (09022015). Collection method: clinical testing. Allele origin: germline.
Comment: This sequence change falls in intron 5 of the PROM1 gene. It does not directly change the encoded amino acid sequence of the PROM1 protein. It affects a nucleotide within the consensus splice site. This variant is not present in population databases (gnomAD no frequency). This variant has not been reported in the literature in individuals affected with PROM1-related conditions. Variants that disrupt the consensus splice site are a relatively common cause of aberrant splicing (PMID: 17576681, 9536098). Algorithms developed to predict the effect of sequence changes on RNA splicing suggest that this variant is not likely to affect RNA splicing. In summary, the available evidence is currently insufficient to determine the role of this variant in disease. Therefore, it has been classified as a Variant of Uncertain Significance.

Literature cited by the submitters: PubMed 17576681; PubMed 9536098.